The following is an entry in ClinVar:

ClinVar aggregate classification (germline): Uncertain significance. Review status: criteria provided, multiple submitters, no conflicts (2 of 4 stars). 2 submissions from 2 submitters: Uncertain significance (2). Last evaluated 2024-06-13.

Conditions:
Inborn genetic diseases. Identifiers: MedGen C0950123, MeSH D030342.

Allele frequency attached by ClinVar (database versions not stated): gnomAD 0.00001; TOPMed 0.00001.
gnomAD v4.1: 3 of 1,613,306 alleles (0.00019%); highest among the groups gnomAD compares: Non-Finnish European, 0.00017%; no homozygotes.

Submissions (2):

Ambry Genetics
Classification: Uncertain significance for Inborn genetic diseases. Last evaluated: 2024-06-13. Review status: criteria provided, single submitter. Criteria: Ambry Variant Classification Scheme 2023. Collection method: clinical testing. Allele origin: germline.

GeneDx
Classification: Uncertain significance. Last evaluated: 2022-10-13. Review status: criteria provided, single submitter. Criteria: GeneDx Variant Classification Process June 2021. Collection method: clinical testing. Allele origin: germline. Affected: yes.
Comment: Not observed at significant frequency in large population cohorts (gnomAD); In silico analysis supports that this missense variant does not alter protein structure/function; Has not been previously published as pathogenic or benign to our knowledge

NM_206933.4(USH2A):c.11367A>G (p.Ile3789Met)

Gene: USH2A (usherin; minus strand). Cytogenetic location: 1q41.
Variant type: single nucleotide variant.
Coding change: c.11367A>G on transcript NM_206933.4 (MANE Select); coding-DNA position 11367, A replaced by G.
Protein change: p.Ile3789Met; replaces isoleucine 3789 with methionine.
Molecular consequence: missense variant.
Genome position (GRCh38, 1-based): chr1:215,758,617, T>C on the plus strand (A>G on the coding strand, the complement: USH2A is on the minus strand). VCF-style: chr1-215758617-T-C. GRCh37 (hg19) VCF-style: chr1-215931959-T-C.
Other names: short protein forms I3789M.
Identifiers: ClinVar variation 2499417 (VCV002499417.2), dbSNP rs1295745243, ClinGen allele CA344820471.